The following is an entry in ClinVar:

NM_001282531.3(ADNP):c.916C>T (p.Arg306Ter)

Gene: ADNP (activity dependent neuroprotector homeobox; minus strand). Cytogenetic location: 20q13.13.
Variant type: single nucleotide variant.
Coding change: c.916C>T on transcript NM_001282531.3 (MANE Select); coding-DNA position 916, C replaced by T.
Protein change: p.Arg306Ter; replaces arginine 306 with a stop codon.
Molecular consequence: nonsense.
Genome position (GRCh38, 1-based): chr20:50,893,798, G>A on the plus strand (C>T on the coding strand, the complement: ADNP is on the minus strand). VCF-style: chr20-50893798-G-A. GRCh37 (hg19) VCF-style: chr20-49510335-G-A.
Other names: c.916C>T, p.Arg306Ter (NM_001282532.2, NM_001347511.2, NM_015339.5 and 1 more transcripts); short protein forms R306*.
Identifiers: ClinVar variation 817538 (VCV000817538.3), dbSNP rs1600934347, ClinGen allele CA408975083.

ClinVar aggregate classification (germline): Pathogenic/Likely pathogenic. Review status: criteria provided, multiple submitters, no conflicts (2 of 4 stars). 2 submissions from 2 submitters: Pathogenic (1); Likely pathogenic (1). Last evaluated 2024-03-10.

Conditions:
ADNP-related disorder. Also called: ADNP-related condition.

Submissions (2):

GeneDx
Classification: Pathogenic. Last evaluated: 2024-03-10. Review status: criteria provided, single submitter. Criteria: GeneDx Variant Classification Process June 2021. Collection method: clinical testing. Allele origin: germline. Affected: yes.
Comment: Nonsense variant in the C-terminus predicted to result in protein truncation, as the last 797 amino acids are lost, and other loss-of-function variants have been reported downstream in the Human Gene Mutation Database (HGMD); Not observed at significant frequency in large population cohorts (gnomAD); Has not been previously published as pathogenic or benign to our knowledge

Blueprint Genetics
Classification: Likely pathogenic for ADNP-related disorders. Last evaluated: 2020-07-02. Review status: criteria provided, single submitter. Criteria: ACMG Guidelines, 2015. Collection method: clinical testing. Allele origin: germline. Affected: yes. Observed: 1 variant allele.